The following is an entry in ClinVar:

ClinVar aggregate classification (germline): Uncertain significance (1 of 4 stars; one submission).

Conditions:
Epilepsy, familial focal, with variable foci 3 (FFEVF3). Identifiers: MedGen C4310708, MONDO:0014925, OMIM 617118.

Allele frequency attached by ClinVar (database versions not stated): gnomAD exomes below 0.00001 and 0.00001.
gnomAD v4.1: 12 of 1,613,508 alleles (0.00074%); highest among the groups gnomAD compares: Non-Finnish European, 0.001%; no homozygotes.

Submission:

Labcorp Genetics (formerly Invitae), Labcorp
Classification: Uncertain significance for Epilepsy, familial focal, with variable foci 3. Last evaluated: 2019-11-20. Review status: criteria provided, single submitter. Criteria: Invitae Variant Classification Sherloc (09022015). Collection method: clinical testing. Allele origin: germline.
Comment: In summary, this variant is a novel missense change with uncertain impact on protein function. It has been classified as a Variant of Uncertain Significance. Algorithms developed to predict the effect of missense changes on protein structure and function do not agree on the potential impact of this missense change (SIFT: "Tolerated"; PolyPhen-2: "Possibly Damaging"; Align-GVGD: "Class C0"). This variant is not present in population databases (ExAC no frequency) and has not been reported in the literature in individuals with an NPRL3-related disease. This sequence change replaces methionine with threonine at codon 530 of the NPRL3 protein (p.Met530Thr). The methionine residue is moderately conserved and there is a moderate physicochemical difference between methionine and threonine.

NM_001077350.3(NPRL3):c.1589T>C (p.Met530Thr)

Gene: NPRL3 (NPR3 like, GATOR1 complex subunit; minus strand). Cytogenetic location: 16p13.3.
Variant type: single nucleotide variant.
Coding change: c.1589T>C on transcript NM_001077350.3 (MANE Select); coding-DNA position 1589, T replaced by C.
Protein change: p.Met530Thr; replaces methionine 530 with threonine.
Molecular consequence: missense variant.
Genome position (GRCh38, 1-based): chr16:86,826, A>G on the plus strand (T>C on the coding strand, the complement: NPRL3 is on the minus strand). VCF-style: chr16-86826-A-G. GRCh37 (hg19) VCF-style: chr16-136825-A-G.
Other names: c.1052T>C, p.Met351Thr (NM_001039476.3); c.1355T>C, p.Met452Thr (NM_001243247.2); c.1514T>C, p.Met505Thr (NM_001243248.2, NM_001243249.2); short protein forms M505T, M530T, M351T, M452T.
Identifiers: ClinVar variation 476221 (VCV000476221.10), dbSNP rs1453118437, ClinGen allele CA394045299.